The following is an entry in ClinVar:

NM_000156.6(GAMT):c.471T>G (p.Phe157Leu)

Gene: GAMT (guanidinoacetate N-methyltransferase; minus strand). Cytogenetic location: 19p13.3.
Variant type: single nucleotide variant.
Coding change: c.471T>G on transcript NM_000156.6 (MANE Select); coding-DNA position 471, T replaced by G.
Protein change: p.Phe157Leu; replaces phenylalanine 157 with leucine.
Molecular consequence: missense variant.
Genome position (GRCh38, 1-based): chr19:1,399,015, A>C on the plus strand (T>G on the coding strand, the complement: GAMT is on the minus strand). VCF-style: chr19-1399015-A-C. GRCh37 (hg19) VCF-style: chr19-1399014-A-C.
Other names: NM_000156.6(GAMT):c.471T>G; p.Phe157Leu; c.471T>G, p.Phe157Leu (NM_138924.3); short protein forms F157L.
Identifiers: ClinVar variation 517082 (VCV000517082.7), dbSNP rs372260609, ClinGen allele CA9043635.

ClinVar aggregate classification (germline): Likely benign. Review status: reviewed by expert panel (3 of 4 stars). 3 submissions from 3 submitters: Likely benign (1). 2 of the submissions do not count toward it. Last evaluated 2024-11-14.

Conditions:
Cerebral creatine deficiency syndrome. Also called: Creatine deficiency syndromes. Identifiers: Orphanet 79172, MedGen C5244016, MONDO:0000456.
Deficiency of guanidinoacetate methyltransferase (CCDS2). Also called: GAMT DEFICIENCY; CEREBRAL CREATINE DEFICIENCY SYNDROME 2; Guanidinoacetate Methyltransferase (GAMT) Deficiency. Identifiers: Orphanet 382, MedGen C0574080, MONDO:0012999, OMIM 612736.

Allele frequency attached by ClinVar (database versions not stated): ExAC 0.00001; gnomAD 0.00001; gnomAD exomes 0.00001 and 0.00002; TOPMed 0.00001; ESP Exome Variant Server 0.00015.
gnomAD v4.1: 26 of 1,613,318 alleles (0.0016%); highest among the groups gnomAD compares: Non-Finnish European, 0.0021%; no homozygotes.

Submissions (3):

ClinGen Cerebral Creatine Deficiency Syndromes Variant Curation Expert Panel, ClinGen
Classification: Likely benign for Deficiency of guanidinoacetate methyltransferase. Last evaluated: 2024-11-14. Review status: reviewed by expert panel. Criteria: ClinGen CCDS ACMG Specifications GAMT V2.0.0. Collection method: curation. Allele origin: germline. Inheritance: Autosomal recessive inheritance.
Comment: The NM_000156.6:c.471T>G variant in GAMT is a missense variant predicted to cause the substitution of a phenylalanine for a leucine at amino acid position 157 (p.Phe157Leu). This variant has been identified in two individuals in the Exome Variant Server database without detailed phenotypic information available (PMID: 26003046). The highest population frequency in gnomAD v4.1.0. is 0.00002119 (25/1180010 alleles) in the European (Non-Finnish) population, which is lower than the ClinGen CCDS VCEP’s threshold for PM2_Supporting (<0.0004), meeting this criterion (PM2_Supporting). Expression of the variant in HeLa cells resulted in similar activity versus wild-type GAMT, indicating that this variant does not impact protein function (PMID: 26003046) (BS3_Supporting). The computational predictor REVEL gives a score of 0.259 which is below the threshold of 0.29, evidence that does not predict a damaging effect on GAMT function (BP4). There is a ClinVar entry for this variant (Variation ID: 517082). Although there is conflicting evidence, with two benign criteria met (BP4 and BS3_Supporting) and one pathogenic criterion met (PM2_Supporting), the consensus from the ClinGen CCDS VCEP is that this variant is likely benign for GAMT deficiency, based upon the in silico and functional evidence. GAMT-specific ACMG/AMP codes met, as specified by the ClinGen Cerebral Creatine Deficiency Syndromes VCEP (Specifications Version 2.0.0): PM2_Supporting, BS3_Supporting, BP4 (classification modified to likely benign) (Classification approved by the ClinGen Cerebral Creatine Deficiency Syndromes Variant Curation Expert Panel on November 14, 2024)

Labcorp Genetics (formerly Invitae), Labcorp
Classification: Uncertain significance for Cerebral creatine deficiency syndrome. Last evaluated: 2021-08-31. Review status: criteria provided, single submitter. Criteria: Invitae Variant Classification Sherloc (09022015). Collection method: clinical testing. Allele origin: germline. Not counted in ClinVar's aggregate classification.
Comment: This sequence change replaces phenylalanine with leucine at codon 157 of the GAMT protein (p.Phe157Leu). The phenylalanine residue is moderately conserved and there is a small physicochemical difference between phenylalanine and leucine. This variant is present in population databases (rs372260609, ExAC 0.002%). This variant has not been reported in the literature in individuals affected with GAMT-related conditions. Algorithms developed to predict the effect of missense changes on protein structure and function (SIFT, PolyPhen-2, Align-GVGD) all suggest that this variant is likely to be tolerated. Experimental studies have shown that this missense change does not substantially affect GAMT function (PMID: 26003046). In summary, the available evidence is currently insufficient to determine the role of this variant in disease. Therefore, it has been classified as a Variant of Uncertain Significance.

GeneDx
Classification: Likely benign. Last evaluated: 2017-11-08. Review status: criteria provided, single submitter. Criteria: GeneDx Variant Classification (06012015). Collection method: clinical testing. Allele origin: germline. Affected: yes. Not counted in ClinVar's aggregate classification.
Comment: This variant is considered likely benign or benign based on one or more of the following criteria: it is a conservative change, it occurs at a poorly conserved position in the protein, it is predicted to be benign by multiple in silico algorithms, and/or has population frequency not consistent with disease.

Literature cited by the submitters: PubMed 26003046 (cited by Labcorp Genetics (formerly Invitae), Labcorp).